The following is an entry in ClinVar:

NM_147127.5(EVC2):c.3913T>G (p.Leu1305Val)

Gene: EVC2 (EvC ciliary complex subunit 2; minus strand). Cytogenetic location: 4p16.2.
Variant type: single nucleotide variant.
Coding change: c.3913T>G on transcript NM_147127.5 (MANE Select); coding-DNA position 3913, T replaced by G.
Protein change: p.Leu1305Val; replaces leucine 1305 with valine.
Molecular consequence: missense variant.
Genome position (GRCh38, 1-based): chr4:5,562,862, A>C on the plus strand (T>G on the coding strand, the complement: EVC2 is on the minus strand). VCF-style: chr4-5562862-A-C. GRCh37 (hg19) VCF-style: chr4-5564589-A-C.
Other names: c.3673T>G, p.Leu1225Val (NM_001166136.2); c.3913T>G (NM_147127.4); short protein forms L1305V, L1225V.
Identifiers: ClinVar variation 2140992 (VCV002140992.4), dbSNP rs751671346, ClinGen allele CA2834160.

ClinVar aggregate classification (germline): Uncertain significance. Review status: criteria provided, multiple submitters, no conflicts (2 of 4 stars). 2 submissions from 2 submitters: Uncertain significance (2). Last evaluated 2025-03-27.

Conditions:
Inborn genetic diseases. Identifiers: MedGen C0950123, MeSH D030342.
Curry-Hall syndrome (WAD). Also called: WEYERS ACRODENTAL DYSOSTOSIS. Identifiers: Orphanet 952, MedGen C0457013, MONDO:0008673, OMIM 193530.
Ellis-van Creveld syndrome (EVC). Also called: MESOECTODERMAL DYSPLASIA; EVC-Related Ellis-van Creveld Syndrome; EVC2-Related Ellis-van Creveld Syndrome; Chondroectodermal dysplasia. Identifiers: Orphanet 289, MedGen C0013903, MONDO:0009162, OMIM 225500.

Allele frequency attached by ClinVar (database versions not stated): gnomAD exomes 0.00001; ExAC 0.00002; TOPMed 0.00002.
gnomAD v4.1: 13 of 1,614,110 alleles (0.00081%); highest among the groups gnomAD compares: Admixed American, 0.0067%; no homozygotes.

Submissions (2):

Ambry Genetics
Classification: Uncertain significance for Inborn genetic diseases. Last evaluated: 2025-03-27. Review status: criteria provided, single submitter. Criteria: Ambry Variant Classification Scheme 2023. Collection method: clinical testing. Allele origin: germline.

Labcorp Genetics (formerly Invitae), Labcorp
Classification: Uncertain significance for Curry-Hall syndrome; Ellis-van Creveld syndrome. Last evaluated: 2024-03-17. Review status: criteria provided, single submitter. Criteria: Invitae Variant Classification Sherloc (09022015). Collection method: clinical testing. Allele origin: germline.
Comment: This sequence change replaces leucine, which is neutral and non-polar, with valine, which is neutral and non-polar, at codon 1305 of the EVC2 protein (p.Leu1305Val). This variant is present in population databases (rs751671346, gnomAD 0.009%). This variant has not been reported in the literature in individuals affected with EVC2-related conditions. ClinVar contains an entry for this variant (Variation ID: 2140992). An algorithm developed to predict the effect of missense changes on protein structure and function (PolyPhen-2) suggests that this variant is likely to be tolerated. In summary, the available evidence is currently insufficient to determine the role of this variant in disease. Therefore, it has been classified as a Variant of Uncertain Significance.